The following is an entry in ClinVar:

NM_024854.5(PYROXD1):c.416A>C (p.Glu139Ala)

Gene: PYROXD1 (pyridine nucleotide-disulphide oxidoreductase domain 1; plus strand). Cytogenetic location: 12p12.1.
Variant type: single nucleotide variant.
Coding change: c.416A>C on transcript NM_024854.5 (MANE Select); coding-DNA position 416, A replaced by C.
Protein change: p.Glu139Ala; replaces glutamic acid 139 with alanine.
Molecular consequence: missense variant. On other transcripts: intron variant (1).
Genome position (GRCh38, 1-based): chr12:21,452,082, A>C. VCF-style: chr12-21452082-A-C. GRCh37 (hg19) VCF-style: chr12-21605016-A-C.
Other names: c.203A>C, p.Glu68Ala (NM_001350912.2); c.-290+2391A>C (NM_001350913.2); c.416A>C (NM_024854.3); short protein forms E68A, E139A.
Identifiers: ClinVar variation 1402733 (VCV001402733.5), dbSNP rs778997885, ClinGen allele CA6478214.

ClinVar aggregate classification (germline): Uncertain significance (1 of 4 stars; one submission).

Conditions:
Myofibrillar myopathy 8. Identifiers: MedGen C4310645, MONDO:0014993, OMIM 617258.

Allele frequency attached by ClinVar (database versions not stated): ExAC 0.00005; gnomAD exomes 0.00005; gnomAD 0.00001; TOPMed 0.00002.
gnomAD v4.1: 14 of 1,573,342 alleles (0.00089%); highest among the groups gnomAD compares: Admixed American, 0.021%; no homozygotes.

Submission:

Labcorp Genetics (formerly Invitae), Labcorp
Classification: Uncertain significance. Last evaluated: 2023-11-27. Review status: criteria provided, single submitter. Criteria: Invitae Variant Classification Sherloc (09022015). Collection method: clinical testing. Allele origin: germline.
Comment: This sequence change replaces glutamic acid, which is acidic and polar, with alanine, which is neutral and non-polar, at codon 139 of the PYROXD1 protein (p.Glu139Ala). This variant is present in population databases (rs778997885, gnomAD 0.04%). This variant has not been reported in the literature in individuals affected with PYROXD1-related conditions. ClinVar contains an entry for this variant (Variation ID: 1402733). An algorithm developed to predict the effect of missense changes on protein structure and function (PolyPhen-2) suggests that this variant¬†is likely to be tolerated. In summary, the available evidence is currently insufficient to determine the role of this variant in disease. Therefore, it has been classified as a Variant of Uncertain Significance.